The following is an entry in ClinVar:

NM_005188.4(CBL):c.482T>C (p.Met161Thr)

Gene: CBL (Cbl proto-oncogene; plus strand). Cytogenetic location: 11q23.3.
Variant type: single nucleotide variant.
Coding change: c.482T>C on transcript NM_005188.4 (MANE Select); coding-DNA position 482, T replaced by C.
Protein change: p.Met161Thr; replaces methionine 161 with threonine.
Molecular consequence: missense variant.
Genome position (GRCh38, 1-based): chr11:119,271,773, T>C. VCF-style: chr11-119271773-T-C. GRCh37 (hg19) VCF-style: chr11-119142483-T-C.
Other names: c.482T>C (NM_005188.2); short protein forms M161T.
Identifiers: ClinVar variation 3038340 (VCV003038340.5), dbSNP rs2496927353, ClinGen allele CA382907195.

ClinVar aggregate classification (germline): Uncertain significance. Review status: criteria provided, multiple submitters, no conflicts (2 of 4 stars). 3 submissions from 3 submitters: Uncertain significance (2). 1 of the submissions does not count toward it. Last evaluated 2025-09-08.

Conditions:
CBL-related disorder. Also called: CBL MUTATION-ASSOCIATED SYNDROME; CBL SYNDROME; NOONAN SYNDROME-LIKE DISORDER WITHOUT JUVENILE MYELOMONOCYTIC LEUKEMIA. Identifiers: Orphanet 363972, MedGen C3150803, MONDO:0013308, OMIM 613563.
Cardiovascular phenotype. Identifiers: MedGen CN230736.
RASopathy. Also called: Noonan spectrum disorder; rasopathies. Identifiers: Orphanet 536391, MedGen C5555857, MONDO:0021060.

Submissions (3):

Labcorp Genetics (formerly Invitae), Labcorp
Classification: Uncertain significance for RASopathy. Last evaluated: 2025-09-08. Review status: criteria provided, single submitter. Criteria: Invitae Variant Classification Sherloc (09022015). Collection method: clinical testing. Allele origin: germline.
Comment: This sequence change replaces methionine, which is neutral and non-polar, with threonine, which is neutral and polar, at codon 161 of the CBL protein (p.Met161Thr). This variant is not present in population databases (gnomAD no frequency). This variant has not been reported in the literature in individuals affected with CBL-related conditions. ClinVar contains an entry for this variant (Variation ID: 3038340). Invitae Evidence Modeling of protein sequence and biophysical properties (such as structural, functional, and spatial information, amino acid conservation, physicochemical variation, residue mobility, and thermodynamic stability) indicates that this missense variant is expected to disrupt CBL protein function with a positive predictive value of 95%. In summary, the available evidence is currently insufficient to determine the role of this variant in disease. Therefore, it has been classified as a Variant of Uncertain Significance.

Ambry Genetics
Classification: Uncertain significance for Cardiovascular phenotype. Last evaluated: 2024-12-16. Review status: criteria provided, single submitter. Criteria: Ambry Variant Classification Scheme 2023. Collection method: clinical testing. Allele origin: germline.
Comment: The p.M161T variant (also known as c.482T>C), located in coding exon 3 of the CBL gene, results from a T to C substitution at nucleotide position 482. The methionine at codon 161 is replaced by threonine, an amino acid with similar properties. This amino acid position is conserved. In addition, this alteration is predicted to be deleterious by in silico analysis. Based on the available evidence, the clinical significance of this variant remains unclear.

PreventionGenetics, part of Exact Sciences
Classification: Uncertain significance for CBL-related condition. Last evaluated: 2024-08-27. Review status: no assertion criteria provided. Collection method: clinical testing. Allele origin: germline. Not counted in ClinVar's aggregate classification.
Comment: The CBL c.482T>C variant is predicted to result in the amino acid substitution p.Met161Thr. To our knowledge, this variant has not been reported in the literature or in a large population database, indicating this variant is rare. At this time, the clinical significance of this variant is uncertain due to the absence of conclusive functional and genetic evidence.